The following is an entry in ClinVar:

ClinVar aggregate classification (germline): Conflicting classifications of pathogenicity. Review status: criteria provided, conflicting classifications (1 of 4 stars). 4 submissions from 4 submitters: Uncertain significance (1); Likely benign (2). 1 of the submissions does not count toward it. Last evaluated 2025-11-03.

Conditions:
SLC9A3-related disorder. Also called: SLC9A3-related condition.
Congenital secretory sodium diarrhea 8. Identifiers: Orphanet 103908, MedGen C5441928, MONDO:0014808, OMIM 616868.

Allele frequency attached by ClinVar (database versions not stated): gnomAD 0.00004 and 0.00011; TOPMed 0.00006; gnomAD exomes 0.00017 and 0.00029; ExAC 0.00043; 1000 Genomes Project 0.00140; 1000 Genomes Project 30x 0.00141.
gnomAD v4.1: 261 of 1,611,780 alleles (0.016%); highest among the groups gnomAD compares: South Asian, 0.21%; no homozygotes.

Submissions (4):

Labcorp Genetics (formerly Invitae), Labcorp
Classification: Likely benign. Last evaluated: 2025-11-03. Review status: criteria provided, single submitter. Criteria: Invitae Variant Classification Sherloc (09022015). Collection method: clinical testing. Allele origin: germline.

Blueprint Genetics
Classification: Uncertain significance. Last evaluated: 2024-05-23. Review status: criteria provided, single submitter. Criteria: ACMG Guidelines, 2015. Collection method: clinical testing. Allele origin: germline.

Revvity Omics, Revvity
Classification: Likely benign for Congenital secretory sodium diarrhea 8. Last evaluated: 2023-11-01. Review status: criteria provided, single submitter. Criteria: ACMG Guidelines, 2015. Collection method: clinical testing. Allele origin: germline.

PreventionGenetics, part of Exact Sciences
Classification: Likely benign for SLC9A3-related condition. Last evaluated: 2023-09-21. Review status: no assertion criteria provided. Collection method: clinical testing. Allele origin: germline. Not counted in ClinVar's aggregate classification.
Comment: This variant is classified as likely benign based on ACMG/AMP sequence variant interpretation guidelines (Richards et al. 2015 PMID: 25741868, with internal and published modifications).

NM_004174.4(SLC9A3):c.370G>A (p.Val124Met)

Gene: SLC9A3 (solute carrier family 9 member A3). Cytogenetic location: 5p15.33.
Variant type: single nucleotide variant.
Coding change: c.370G>A on transcript NM_004174.4 (MANE Select); coding-DNA position 370, G replaced by A.
Protein change: p.Val124Met; replaces valine 124 with methionine.
Molecular consequence: missense variant.
Genome position (GRCh38, 1-based): chr5:491,913, C>T on the plus strand (G>A on the coding strand, the complement: SLC9A3 is on the minus strand). VCF-style: chr5-491913-C-T. GRCh37 (hg19) VCF-style: chr5-492028-C-T.
Other names: c.370G>A (NM_004174.3); c.370G>A, p.Val124Met (NM_001284351.3); short protein forms V124M.
Identifiers: ClinVar variation 1143432 (VCV001143432.14), dbSNP rs566685003, ClinGen allele CA3176353.